The following is an entry in ClinVar:

ClinVar aggregate classification (germline): Uncertain significance (1 of 4 stars; one submission).

Conditions:
Ataxia-telangiectasia syndrome (AT). Also called: LOUIS-BAR SYNDROME; Cerebello-oculocutaneous telangiectasia; Immunodeficiency with ataxia telangiectasia; Ataxia-telangiectasia, complementation group D; AT, COMPLEMENTATION GROUP C; ATAXIA-TELANGIECTASIA, COMPLEMENTATION GROUP A. Identifiers: Orphanet 100, MedGen C0004135, MONDO:0008840, OMIM 208900.

Submission:

Labcorp Genetics (formerly Invitae), Labcorp
Classification: Uncertain significance for Ataxia-telangiectasia syndrome. Last evaluated: 2025-04-29. Review status: criteria provided, single submitter. Criteria: Invitae Variant Classification Sherloc (09022015). Collection method: clinical testing. Allele origin: germline.
Comment: This sequence change replaces leucine, which is neutral and non-polar, with phenylalanine, which is neutral and non-polar, at codon 2474 of the ATM protein (p.Leu2474Phe). This variant is not present in population databases (gnomAD no frequency). This variant has not been reported in the literature in individuals affected with ATM-related conditions. Invitae Evidence Modeling of protein sequence and biophysical properties (such as structural, functional, and spatial information, amino acid conservation, physicochemical variation, residue mobility, and thermodynamic stability) indicates that this missense variant is not expected to disrupt ATM protein function with a negative predictive value of 95%. In summary, the available evidence is currently insufficient to determine the role of this variant in disease. Therefore, it has been classified as a Variant of Uncertain Significance.

NM_000051.4(ATM):c.7422A>C (p.Leu2474Phe)

Genes: ATM (ATM serine/threonine kinase; plus strand), C11orf65 (chromosome 11 open reading frame 65; minus strand). Cytogenetic location: 11q22.3.
Variant type: single nucleotide variant.
Coding change: c.7422A>C on transcript NM_000051.4 (MANE Select); coding-DNA position 7422, A replaced by C.
Protein change: p.Leu2474Phe; replaces leucine 2474 with phenylalanine.
Molecular consequence: missense variant. On other transcripts: intron variant (2).
Genome position (GRCh38, 1-based): chr11:108,330,328, A>C. VCF-style: chr11-108330328-A-C. GRCh37 (hg19) VCF-style: chr11-108201055-A-C.
Other names: c.7422A>C, p.Leu2474Phe (NM_001351834.2); c.641-21257T>G (NM_001330368.2); c.*38+4892T>G (NM_001351110.2); short protein forms L2474F.
Identifiers: ClinVar variation 4747260 (VCV004747260.1).